The following is an entry in ClinVar:

ClinVar aggregate classification (germline): Conflicting classifications of pathogenicity. Review status: criteria provided, conflicting classifications (1 of 4 stars). 5 submissions from 5 submitters: Uncertain significance (2); Likely benign (1). 2 of the submissions do not count toward it. Last evaluated 2024-11-28.

Conditions:
SYN1-related disorder. Also called: SYN1-related condition; SYN1-Related Disorders.
Epilepsy, X-linked 1, with variable learning disabilities and behavior disorders. Also called: X-linked epilepsy-learning disabilities-behavior disorders syndrome. Identifiers: Orphanet 85294, MedGen C5774177, MONDO:0010339, OMIM 300491.

Allele frequency attached by ClinVar (database versions not stated): TOPMed 0.00003; gnomAD 0.00005.
gnomAD v4.1: 26 of 1,042,104 alleles (0.0025%); highest among the groups gnomAD compares: Non-Finnish European, 0.0031%; no homozygotes.

Submissions (5):

Blueprint Genetics
Classification: Likely benign. Last evaluated: 2024-11-28. Review status: criteria provided, single submitter. Criteria: ACMG Guidelines, 2015. Collection method: clinical testing. Allele origin: germline.

Labcorp Genetics (formerly Invitae), Labcorp
Classification: Uncertain significance for Epilepsy, X-linked 1, with variable learning disabilities and behavior disorders. Last evaluated: 2024-08-28. Review status: criteria provided, single submitter. Criteria: Invitae Variant Classification Sherloc (09022015). Collection method: clinical testing. Allele origin: germline.
Comment: This sequence change replaces alanine, which is neutral and non-polar, with threonine, which is neutral and polar, at codon 550 of the SYN1 protein (p.Ala550Thr). The frequency data for this variant in the population databases is considered unreliable, as metrics indicate insufficient coverage at this position in the gnomAD database. This missense change has been observed in individuals with SYN1-related conditions (PMID: 21441247; internal data). This variant is also known as p.Ala548Thr. ClinVar contains an entry for this variant (Variation ID: 41889). Algorithms developed to predict the effect of variants on gene product structure and function are not available or were not evaluated for this variant. Experimental studies have shown that this missense change affects SYN1 function (PMID: 21441247, 26173895). In summary, the available evidence is currently insufficient to determine the role of this variant in disease. Therefore, it has been classified as a Variant of Uncertain Significance.

Women's Health and Genetics/Laboratory Corporation of America, LabCorp
Classification: Uncertain significance. Last evaluated: 2023-08-15. Review status: criteria provided, single submitter. Criteria: LabCorp Variant Classification Summary - May 2015. Collection method: clinical testing. Allele origin: germline.
Comment: Variant summary: SYN1 c.1648G>A (p.Ala550Thr) results in a non-conservative amino acid change in the encoded protein sequence. Three of five in-silico tools predict a benign effect of the variant on protein function. The variant was absent in 17090 control chromosomes (gnomAD). The available data on variant occurrences in the general population are insufficient to allow any conclusion about variant significance. c.1648G>A has been reported in the literature in individuals affected with epilepsy, autism spectrum disorder, and schizophrenia (examples: Fassio_2011, and Mojarad_2021). These report(s) do not provide unequivocal conclusions about association of the variant with Epilepsy, X-linked 1, with variable learning disabilities and behavior disorders. Experimental studies have reported the variant affects normal protein function however is insufficient to determine the role of this variant in disease (examples: Fassio_2011, and Tang_2014). The following publications have been ascertained in the context of this evaluation (PMID: 21441247, 33526774, 26173895). One submitter has cited clinical-significance assessments for this variant to ClinVar after 2014 and has classified the variant as uncertain significance. Based on the evidence outlined above, the variant was classified as uncertain significance.

PreventionGenetics, part of Exact Sciences
Classification: Uncertain significance for SYN1-related condition. Last evaluated: 2024-02-08. Review status: no assertion criteria provided. Collection method: clinical testing. Allele origin: germline. Not counted in ClinVar's aggregate classification.
Comment: The SYN1 c.1648G>A variant is predicted to result in the amino acid substitution p.Ala550Thr. This variant has been reported to be causative for autism spectrum disorders with or without epilepsy in four unrelated French Canadian patients (Fassio et al. 2011 et al. PubMed ID: 21441247). Functional studies showed that this variant displayed impaired targeting to nerve terminals (Fassio et al. 2011 et al. PubMed ID: 21441247; Tang et al. 2015. PubMed ID: 26173895, reported as A548T). This variant has not been reported in a large population database, indicating this variant is rare. However, it has conflicting interpretations regarding its pathogenicity in ClinVar, ranging from pathogenic to uncertain significance. Although we suspect that this variant may be pathogenic, at this time, the clinical significance of this variant is uncertain due to the absence of conclusive functional and genetic evidence.

OMIM
Classification: Pathogenic for EPILEPSY, X-LINKED 1, WITH VARIABLE LEARNING DISABILITIES AND BEHAVIOR DISORDERS. Last evaluated: 2011-06-15. Review status: no assertion criteria provided. Collection method: literature only. Allele origin: germline. Not counted in ClinVar's aggregate classification.

Literature cited by the submitters: PubMed 21441247 (cited by 3 submitters); PubMed 26173895 (cited by Labcorp Genetics (formerly Invitae), Labcorp and Women's Health and Genetics/Laboratory Corporation of America, LabCorp); PubMed 33526774 (cited by Women's Health and Genetics/Laboratory Corporation of America, LabCorp).

NM_006950.3(SYN1):c.1648G>A (p.Ala550Thr)

Gene: SYN1 (synapsin I; minus strand). Cytogenetic location: Xp11.3.
Variant type: single nucleotide variant.
Coding change: c.1648G>A on transcript NM_006950.3 (MANE Select); coding-DNA position 1648, G replaced by A.
Protein change: p.Ala550Thr; replaces alanine 550 with threonine.
Molecular consequence: missense variant.
Genome position (GRCh38, 1-based): chrX:47,574,336, C>T on the plus strand (G>A on the coding strand, the complement: SYN1 is on the minus strand). VCF-style: chrX-47574336-C-T. GRCh37 (hg19) VCF-style: chrX-47433735-C-T.
Other names: c.1648G>A, p.Ala550Thr (NM_133499.2); short protein forms A550T.
Identifiers: ClinVar variation 41889 (VCV000041889.17), dbSNP rs397514680, ClinGen allele CA130887.